The following is an entry in ClinVar:

ClinVar aggregate classification (germline): Pathogenic (1 of 4 stars; one submission).

Conditions:
Pyruvate carboxylase deficiency. Also called: ATAXIA WITH LACTIC ACIDOSIS II; LEIGH NECROTIZING ENCEPHALOPATHY DUE TO PYRUVATE CARBOXYLASE DEFICIENCY; LEIGH SYNDROME DUE TO PYRUVATE CARBOXYLASE DEFICIENCY; PC DEFICIENCY; Pyruvate Carboxylase Deficiency Disease. Identifiers: Orphanet 3008, MedGen C0034341, MONDO:0009949, OMIM 266150.

Submission:

Myriad Genetics, Inc.
Classification: Pathogenic for Pyruvate carboxylase deficiency. Last evaluated: 2025-02-06. Review status: criteria provided, single submitter. Criteria: Myriad Autosomal Dominant, Autosomal Recessive and X-Linked Classification Criteria (2023). Collection method: clinical testing. Allele origin: unknown.
Comment: NM_000920.3(PC):c.2640_2641insT(M881Yfs*86) is expected to be pathogenic in the context of pyruvate carboxylase deficiency. This variant is predicted to lead to an abnormal or absent protein product due to the creation of a premature termination codon in PC, a gene where loss-of-function variants are known to be pathogenic. Please note: this variant was assessed in the context of healthy population screening.

NM_001040716.2(PC):c.2640_2641insT (p.Met881fs)

Gene: PC (pyruvate carboxylase; minus strand). Cytogenetic location: 11q13.2.
Variant type: Insertion.
Coding change: c.2640_2641insT on transcript NM_001040716.2 (MANE Select); coding-DNA positions 2640 to 2641, T inserted.
Protein change: p.Met881fs; shifts the reading frame from methionine 881.
Molecular consequence: frameshift variant.
Genome position: GRCh38 VCF-style: chr11-66850297-T-TA. GRCh37 (hg19) VCF-style: chr11-66617768-T-TA.
Other names: c.2640_2641insT, p.Met881fs (NM_000920.4, NM_001439352.1, NM_001439353.1 and 5 more transcripts); short protein forms M881fs.
Identifiers: ClinVar variation 5014065 (VCV005014065.1).